The following is an entry in ClinVar:

NM_017909.4(RMND1):c.1254dup (p.His419fs)

Gene: RMND1 (required for meiotic nuclear division 1 homolog; minus strand). Cytogenetic location: 6q25.1.
Variant type: Duplication.
Coding change: c.1254dup on transcript NM_017909.4 (MANE Select); coding-DNA position 1254, one base duplicated (T; older notation c.1254dupT).
Protein change: p.His419fs; shifts the reading frame from histidine 419.
Molecular consequence: frameshift variant.
Genome position (GRCh38, 1-based): chr6:151,405,783, A duplicated on the plus strand (T on the coding strand, the reverse complement: RMND1 is on the minus strand). VCF-style (leftmost placement, unchanged base first): chr6-151405782-G-GA. GRCh37 (hg19) VCF-style: chr6-151726917-G-GA.
Other names: c.744dup, p.His249fs (NM_001271937.2); short protein forms H249fs, H419fs.
Identifiers: ClinVar variation 2028797 (VCV002028797.4), dbSNP rs1728156204, ClinGen allele CA1672865542.

ClinVar aggregate classification (germline): Pathogenic (1 of 4 stars; one submission).

Allele frequency attached by ClinVar (database versions not stated): TOPMed below 0.00001.

Submission:

Labcorp Genetics (formerly Invitae), Labcorp
Classification: Pathogenic. Last evaluated: 2022-09-03. Review status: criteria provided, single submitter. Criteria: Invitae Variant Classification Sherloc (09022015). Collection method: clinical testing. Allele origin: germline.
Comment: For these reasons, this variant has been classified as Pathogenic. This variant has not been reported in the literature in individuals affected with RMND1-related conditions. This variant is not present in population databases (gnomAD no frequency). This sequence change creates a premature translational stop signal (p.His419Serfs*4) in the RMND1 gene. It is expected to result in an absent or disrupted protein product. Loss-of-function variants in RMND1 are known to be pathogenic (PMID: 27412952).

Literature cited by the submitters: PubMed 27412952.